The following is an entry in ClinVar:

ClinVar aggregate classification (germline): Pathogenic (1 of 4 stars; one submission).

Conditions:
Hereditary cancer-predisposing syndrome. Also called: Neoplastic Syndromes, Hereditary; Tumor predisposition; Hereditary Cancer Syndrome; Hereditary neoplastic syndrome. Identifiers: Orphanet 140162, MedGen C0027672, MeSH D009386, MONDO:0015356.

Submission:

Ambry Genetics
Classification: Pathogenic for Hereditary cancer-predisposing syndrome. Last evaluated: 2023-04-26. Review status: criteria provided, single submitter. Criteria: Ambry Variant Classification Scheme 2023. Collection method: clinical testing. Allele origin: germline.
Comment: The p.S347* pathogenic mutation (also known as c.1040C>G), located in coding exon 9 of the NBN gene, results from a C to G substitution at nucleotide position 1040. This changes the amino acid from a serine to a stop codon within coding exon 9. This alteration is expected to result in loss of function by premature protein truncation or nonsense-mediated mRNA decay. As such, this alteration is interpreted as a disease-causing mutation.

NM_002485.5(NBN):c.1040C>G (p.Ser347Ter)

Gene: NBN (nibrin; minus strand). Cytogenetic location: 8q21.3.
Variant type: single nucleotide variant.
Coding change: c.1040C>G on transcript NM_002485.5 (MANE Select); coding-DNA position 1040, C replaced by G.
Protein change: p.Ser347Ter; replaces serine 347 with a stop codon.
Molecular consequence: nonsense.
Genome position (GRCh38, 1-based): chr8:89,958,809, G>C on the plus strand (C>G on the coding strand, the complement: NBN is on the minus strand). VCF-style: chr8-89958809-G-C. GRCh37 (hg19) VCF-style: chr8-90971037-G-C.
Other names: c.794C>G, p.Ser265Ter (NM_001024688.3); short protein forms S347*, S265*.
Identifiers: ClinVar variation 233253 (VCV000233253.6), dbSNP rs876660290, ClinGen allele CA10578777.